The following is an entry in ClinVar:

NM_006186.4(NR4A2):c.995-1G>A

Gene: NR4A2 (nuclear receptor subfamily 4 group A member 2; minus strand). Cytogenetic location: 2q24.1.
Variant type: single nucleotide variant.
Coding change: c.995-1G>A on transcript NM_006186.4 (MANE Select); the canonical splice acceptor site of the intron before coding-DNA position 995, G replaced by A.
Molecular consequence: splice acceptor variant.
Genome position (GRCh38, 1-based): chr2:156,328,015, C>T on the plus strand (G>A on the coding strand, the complement: NR4A2 is on the minus strand). VCF-style: chr2-156328015-C-T. GRCh37 (hg19) VCF-style: chr2-157184527-C-T.
Other names: c.806-1G>A (NM_173173.3).
Identifiers: ClinVar variation 3893207 (VCV003893207.1).

ClinVar aggregate classification (germline): Pathogenic (1 of 4 stars; one submission).

Conditions:
Intellectual developmental disorder with language impairment and early-onset DOPA-responsive dystonia-parkinsonism (IDLDP). Identifiers: Orphanet 660017, MedGen C5677001, MONDO:0859257, OMIM 619911.

Submission:

Medical Genetics Clinic, University of Catania
Classification: Pathogenic for Intellectual developmental disorder with language impairment and early-onset DOPA-responsive dystonia-parkinsonism. Last evaluated: 2025-01-30. Review status: criteria provided, single submitter. Criteria: ACMG Guidelines, 2015. Collection method: clinical testing. Allele origin: de novo. Inheritance: Autosomal dominant inheritance. Affected: yes. Observed: 1 heterozygote.
Comment: The c.995-1G>A variant in the NR4A2 gene is located in intron 4 of 7, at the intronic position 1 bp upstream of transcript position 995. The variant is located in a splice acceptor site. In silico predictors suggest for this variant a deleterious effect on the structure/function of the protein. The c.995-1G>A variant is located in a conserved region of the NR4A2 gene and has extremely low frequency in gnomAD population databases. Loss-of-function variants of the NR4A2 gene are associated with Intellectual developmental disorder with language impairment and early-onset DOPA-responsive dystonia-parkinsonism with autosomal dominant inheritance (PMID: 38791237). In line with the above the c.995-1G>A variant in the NR4A2 gene has been classified as Pathogenic.

Literature cited by the submitters: PubMed 38791237.